The following is an entry in ClinVar:

ClinVar aggregate classification (germline): Uncertain significance (1 of 4 stars; one submission).

Allele frequency attached by ClinVar (database versions not stated): gnomAD exomes 0.00001; TOPMed 0.00001.
gnomAD v4.1: 8 of 1,614,148 alleles (0.0005%); highest among the groups gnomAD compares: Admixed American, 0.0033%; no homozygotes.

Submission:

Labcorp Genetics (formerly Invitae), Labcorp
Classification: Uncertain significance. Last evaluated: 2022-07-27. Review status: criteria provided, single submitter. Criteria: Invitae Variant Classification Sherloc (09022015). Collection method: clinical testing. Allele origin: germline.
Comment: This sequence change replaces glycine, which is neutral and non-polar, with serine, which is neutral and polar, at codon 406 of the CUL7 protein (p.Gly406Ser). This variant is present in population databases (rs752434919, gnomAD 0.003%). This variant has not been reported in the literature in individuals affected with CUL7-related conditions. Algorithms developed to predict the effect of missense changes on protein structure and function (SIFT, PolyPhen-2, Align-GVGD) all suggest that this variant is likely to be disruptive. In summary, the available evidence is currently insufficient to determine the role of this variant in disease. Therefore, it has been classified as a Variant of Uncertain Significance.

NM_014780.5(CUL7):c.1216G>A (p.Gly406Ser)

Gene: CUL7 (cullin 7; minus strand). Cytogenetic location: 6p21.1.
Variant type: single nucleotide variant.
Coding change: c.1216G>A on transcript NM_014780.5 (MANE Select); coding-DNA position 1216, G replaced by A.
Protein change: p.Gly406Ser; replaces glycine 406 with serine.
Molecular consequence: missense variant.
Genome position (GRCh38, 1-based): chr6:43,050,985, C>T on the plus strand (G>A on the coding strand, the complement: CUL7 is on the minus strand). VCF-style: chr6-43050985-C-T. GRCh37 (hg19) VCF-style: chr6-43018723-C-T.
Other names: c.1312G>A, p.Gly438Ser (NM_001168370.2, NM_001374872.1); c.1216G>A, p.Gly406Ser (NM_001374873.1, NM_001374874.1); short protein forms G406S, G438S.
Identifiers: ClinVar variation 2168435 (VCV002168435.1), dbSNP rs752434919, ClinGen allele CA138251174.